The following is an entry in ClinVar:

NM_006269.2(RP1):c.256C>A (p.Pro86Thr)

Gene: RP1 (RP1 axonemal microtubule associated; plus strand). Cytogenetic location: 8q12.1.
Variant type: single nucleotide variant.
Coding change: c.256C>A on transcript NM_006269.2 (MANE Select); coding-DNA position 256, C replaced by A.
Protein change: p.Pro86Thr; replaces proline 86 with threonine.
Molecular consequence: missense variant.
Genome position (GRCh38, 1-based): chr8:54,621,222, C>A. VCF-style: chr8-54621222-C-A. GRCh37 (hg19) VCF-style: chr8-55533782-C-A.
Other names: c.256C>A, p.Pro86Thr (NM_001375654.1); short protein forms P86T.
Identifiers: ClinVar variation 1470348 (VCV001470348.11), dbSNP rs757674289, ClinGen allele CA4751101.

ClinVar aggregate classification (germline): Conflicting classifications of pathogenicity. Review status: criteria provided, conflicting classifications (1 of 4 stars). 4 submissions from 4 submitters: Likely pathogenic (1); Uncertain significance (3). Last evaluated 2024-10-17.

Conditions:
Retinal dystrophy. Also called: Inherited retinal dystrophy. Identifiers: Orphanet 71862, MedGen C0854723, MeSH D058499, MONDO:0019118, HP:0000556.
Retinitis pigmentosa 1 (RP1). Identifiers: Orphanet 791, MedGen C0220701, MONDO:0008377, OMIM 180100.

Allele frequency attached by ClinVar (database versions not stated): gnomAD exomes 0.00001 and 0.00008; gnomAD 0.00003; TOPMed 0.00004; ExAC 0.00007.
gnomAD v4.1: 22 of 1,613,990 alleles (0.0014%); highest among the groups gnomAD compares: East Asian, 0.047%; no homozygotes.

Submissions (4):

Labcorp Genetics (formerly Invitae), Labcorp
Classification: Uncertain significance. Last evaluated: 2024-10-17. Review status: criteria provided, single submitter. Criteria: Invitae Variant Classification Sherloc (09022015). Collection method: clinical testing. Allele origin: germline.
Comment: This sequence change replaces proline, which is neutral and non-polar, with threonine, which is neutral and polar, at codon 86 of the RP1 protein (p.Pro86Thr). This variant is present in population databases (rs757674289, gnomAD 0.1%). This missense change has been observed in individual(s) with autosomal recessive retinitis pigmentosa and/or clinical features of RP1-related conditions (PMID: 32562694, 33090715, 33946315, 34721897). ClinVar contains an entry for this variant (Variation ID: 1470348). An algorithm developed to predict the effect of missense changes on protein structure and function (PolyPhen-2) suggests that this variant is likely to be disruptive. In summary, the available evidence is currently insufficient to determine the role of this variant in disease. Therefore, it has been classified as a Variant of Uncertain Significance.

3billion
Classification: Likely pathogenic for Retinitis pigmentosa 1. Last evaluated: 2024-10-08. Review status: criteria provided, single submitter. Criteria: ACMG Guidelines, 2015. Collection method: clinical testing. Allele origin: germline. Affected: yes.
Comment: The variant is observed at an extremely low frequency in the gnomAD v4.1.0 dataset (total allele frequency: <0.001%). Predicted Consequence/Location: Frameshift: predicted to result in a loss or disruption of normal protein function through nonsense-mediated decay (NMD) or protein truncation. Multiple pathogenic variants are reported downstream of the variant. The variant has been reported to be associated with RP1 related disorder (ClinVar ID: VCV001323531 /PMID: 25356976). Therefore, this variant is classified as Pathogenic according to the recommendation of ACMG/AMP guideline.

Blueprint Genetics
Classification: Uncertain significance. Last evaluated: 2024-06-27. Review status: criteria provided, single submitter. Criteria: ACMG Guidelines, 2015. Collection method: clinical testing. Allele origin: germline.

Dept Of Ophthalmology, Nagoya University
Classification: Uncertain significance for Retinal dystrophy. Last evaluated: 2023-10-01. Review status: criteria provided, single submitter. Criteria: Submitter's publication. Collection method: research. Allele origin: germline. Affected: yes.

Literature cited by the submitters: PubMed 32562694 (cited by Labcorp Genetics (formerly Invitae), Labcorp); PubMed 33090715 (cited by Labcorp Genetics (formerly Invitae), Labcorp and 3billion); PubMed 33946315 (cited by Labcorp Genetics (formerly Invitae), Labcorp); PubMed 34721897 (cited by Labcorp Genetics (formerly Invitae), Labcorp).